The following is an entry in ClinVar:

NM_198578.4(LRRK2):c.3221T>G (p.Val1074Gly)

Gene: LRRK2 (leucine rich repeat kinase 2; plus strand). Cytogenetic location: 12q12.
Variant type: single nucleotide variant.
Coding change: c.3221T>G on transcript NM_198578.4 (MANE Select); coding-DNA position 3221, T replaced by G.
Protein change: p.Val1074Gly; replaces valine 1074 with glycine.
Molecular consequence: missense variant.
Genome position (GRCh38, 1-based): chr12:40,298,367, T>G. VCF-style: chr12-40298367-T-G. GRCh37 (hg19) VCF-style: chr12-40692169-T-G.
Other names: short protein forms V1074G.
Identifiers: ClinVar variation 3540494 (VCV003540494.3).

ClinVar aggregate classification (germline): Uncertain significance. Review status: criteria provided, multiple submitters, no conflicts (2 of 4 stars). 2 submissions from 2 submitters: Uncertain significance (2). Last evaluated 2025-01-06.

Conditions:
Autosomal dominant Parkinson disease 8. Also called: LRRK2-Related Parkinson Disease; Parkinson disease 8; Parkinson disease 8, susceptibility to. Identifiers: Orphanet 411602, MedGen C1846862, MONDO:0011764, OMIM 607060.
Inborn genetic diseases. Identifiers: MedGen C0950123, MeSH D030342.

gnomAD v4.1: 1 of 1,614,004 alleles (0.000062%); highest among the groups gnomAD compares: Non-Finnish European, 0.000085%; no homozygotes.

Submissions (2):

Labcorp Genetics (formerly Invitae), Labcorp
Classification: Uncertain significance for Autosomal dominant Parkinson disease 8. Last evaluated: 2025-01-06. Review status: criteria provided, single submitter. Criteria: Invitae Variant Classification Sherloc (09022015). Collection method: clinical testing. Allele origin: germline.
Comment: This sequence change replaces valine, which is neutral and non-polar, with glycine, which is neutral and non-polar, at codon 1074 of the LRRK2 protein (p.Val1074Gly). This variant is not present in population databases (gnomAD no frequency). This variant has not been reported in the literature in individuals affected with LRRK2-related conditions. Invitae Evidence Modeling of protein sequence and biophysical properties (such as structural, functional, and spatial information, amino acid conservation, physicochemical variation, residue mobility, and thermodynamic stability) has been performed for this missense variant. However, the output from this modeling did not meet the statistical confidence thresholds required to predict the impact of this variant on LRRK2 protein function. In summary, the available evidence is currently insufficient to determine the role of this variant in disease. Therefore, it has been classified as a Variant of Uncertain Significance.

Ambry Genetics
Classification: Uncertain significance for Inborn genetic diseases. Last evaluated: 2024-08-14. Review status: criteria provided, single submitter. Criteria: Ambry Variant Classification Scheme 2023. Collection method: clinical testing. Allele origin: germline.
Comment: The p.V1074G variant (also known as c.3221T>G), located in coding exon 24 of the LRRK2 gene, results from a T to G substitution at nucleotide position 3221. The valine at codon 1074 is replaced by glycine, an amino acid with dissimilar properties. This amino acid position is conserved. In addition, the in silico prediction for this alteration is inconclusive. Based on the available evidence, the clinical significance of this variant remains unclear.